The following is an entry in ClinVar:

ClinVar aggregate classification (germline): Uncertain significance. Review status: criteria provided, multiple submitters, no conflicts (2 of 4 stars). 2 submissions from 2 submitters: Uncertain significance (2). Last evaluated 2026-02-01.

Conditions:
Basal ganglia calcification, idiopathic, 7, autosomal recessive. Also called: PRIMARY FAMILIAL BRAIN CALCIFICATION 7, AUTOSOMAL RECESSIVE. Identifiers: MedGen C5193025, MONDO:0032673, OMIM 618317.

Allele frequency attached by ClinVar (database versions not stated): gnomAD exomes below 0.00001; gnomAD 0.00001; TOPMed 0.00001.

Submissions (2):

CeGaT Center for Human Genetics Tuebingen
Classification: Uncertain significance. Last evaluated: 2026-02-01. Review status: criteria provided, single submitter. Criteria: CeGaT Center For Human Genetics Tuebingen Variant Classification Criteria Version 2. Collection method: clinical testing. Allele origin: germline. Affected: yes. Observed: 1 variant allele.
Comment: MYORG: PM2, PM3

SIB Swiss Institute of Bioinformatics
Classification: Uncertain significance for Basal ganglia calcification, idiopathic, 7, autosomal recessive. Last evaluated: 2019-06-13. Review status: criteria provided, single submitter. Criteria: ACMG Guidelines, 2015. Collection method: curation. Allele origin: unknown.
Comment: This variant is interpreted as a variant of Uncertain significance for Basal ganglia calcification, idiopathic, 7, autosomal recessive. The following ACMG Tag(s) were applied: PM2, PP3, PM3-Supporting.

Literature cited by the submitters: PubMed 31009047 (cited by SIB Swiss Institute of Bioinformatics).

NM_020702.5(MYORG):c.747G>C (p.Trp249Cys)

Gene: MYORG (myogenesis regulating glycosidase; minus strand). Cytogenetic location: 9p13.3.
Variant type: single nucleotide variant.
Coding change: c.747G>C on transcript NM_020702.5 (MANE Select); coding-DNA position 747, G replaced by C.
Protein change: p.Trp249Cys; replaces tryptophan 249 with cysteine.
Molecular consequence: missense variant.
Genome position (GRCh38, 1-based): chr9:34,372,197, C>G on the plus strand (G>C on the coding strand, the complement: MYORG is on the minus strand). VCF-style: chr9-34372197-C-G. GRCh37 (hg19) VCF-style: chr9-34372195-C-G.
Other names: short protein forms W249C.
Identifiers: ClinVar variation 692181 (VCV000692181.5), dbSNP rs1356560096, ClinGen allele CA373244891.